The following is an entry in ClinVar:

ClinVar aggregate classification (germline): Uncertain significance (1 of 4 stars; one submission).

gnomAD v4.1: 24 of 1,240,244 alleles (0.0019%); highest among the groups gnomAD compares: African/African-American, 0.017%; no homozygotes.

Submission:

GeneDx
Classification: Uncertain significance. Last evaluated: 2026-02-14. Review status: criteria provided, single submitter. Criteria: GeneDx Variant Classification Process June 2021. Collection method: clinical testing. Allele origin: germline.
Comment: Not observed at significant frequency in large population cohorts (gnomAD); In silico analysis suggests that this missense variant does not alter protein structure/function; Has not been previously published as pathogenic or benign to our knowledge

NM_001170535.3(ATAD3A):c.119G>A (p.Arg40Gln)

Gene: ATAD3A (ATPase family AAA domain containing 3A; plus strand). Cytogenetic location: 1p36.33.
Variant type: single nucleotide variant.
Coding change: c.119G>A on transcript NM_001170535.3 (MANE Select); coding-DNA position 119, G replaced by A.
Protein change: p.Arg40Gln; replaces arginine 40 with glutamine.
Molecular consequence: missense variant.
Genome position (GRCh38, 1-based): chr1:1,512,387, G>A. VCF-style: chr1-1512387-G-A. GRCh37 (hg19) VCF-style: chr1-1447767-G-A.
Other names: c.119G>A, p.Arg40Gln (NM_018188.5); short protein forms R40Q.
Identifiers: ClinVar variation 4976148 (VCV004976148.1).
Genomic context (GRCh38, chr1:1,512,387, plus strand): 5'-CGCCTTTGCCGCCCGCGCAGCCCGGGGCCGAGGGCGGCGGGGACCGCGGGTTGGGAGACC[G>A]GCCGGCGCCCAAGGACAAATGGAGCAACTTCGACCCCACCGGCCTGGAGCGCGCCGCCAA-3'
Protein context (NP_001164006.1, residues 30-50): EGGGDRGLGD[Arg40Gln]PAPKDKWSNF